The following is an entry in ClinVar:

NM_004958.4(MTOR):c.5305A>G (p.Ile1769Val)

Gene: MTOR (mechanistic target of rapamycin kinase; minus strand). Cytogenetic location: 1p36.22.
Variant type: single nucleotide variant.
Coding change: c.5305A>G on transcript NM_004958.4 (MANE Select); coding-DNA position 5305, A replaced by G.
Protein change: p.Ile1769Val; replaces isoleucine 1769 with valine.
Molecular consequence: missense variant.
Genome position (GRCh38, 1-based): chr1:11,133,139, T>C on the plus strand (A>G on the coding strand, the complement: MTOR is on the minus strand). VCF-style: chr1-11133139-T-C. GRCh37 (hg19) VCF-style: chr1-11193196-T-C.
Other names: c.5305A>G (LRG_734t1); short protein forms I1769V.
Identifiers: ClinVar variation 408303 (VCV000408303.10), dbSNP rs781512898, ClinGen allele CA589381.
Genomic context (GRCh38, chr1:11,133,139, plus strand): 5'-CCTTGTACCAGCTGCGGTCGTGCTCTGTGGCGGCGCTGTAGTACTGCAGCACTTTGGGGA[T>C]TGTGCTCTCATTGATGCCCTGTAGATTCAGCTGCCACTCTCCAAGTTTCAGGAAGCATCT-3'
Protein context (NP_004949.1, residues 1759-1779): LNLQGINEST[Ile1769Val]PKVLQYYSAA

ClinVar aggregate classification (germline): Uncertain significance (1 of 4 stars; one submission).

Allele frequency attached by ClinVar (database versions not stated): gnomAD exomes below 0.00001; ExAC 0.00001.
gnomAD v4.1: 6 of 1,614,170 alleles (0.00037%); highest among the groups gnomAD compares: South Asian, 0.0011%; no homozygotes.

Submission:

Labcorp Genetics (formerly Invitae), Labcorp
Classification: Uncertain significance. Last evaluated: 2023-11-04. Review status: criteria provided, single submitter. Criteria: Invitae Variant Classification Sherloc (09022015). Collection method: clinical testing. Allele origin: germline.
Comment: This sequence change replaces isoleucine, which is neutral and non-polar, with valine, which is neutral and non-polar, at codon 1769 of the MTOR protein (p.Ile1769Val). This variant is present in population databases (rs781512898, gnomAD 0.003%). This variant has not been reported in the literature in individuals affected with MTOR-related conditions. ClinVar contains an entry for this variant (Variation ID: 408303). Advanced modeling of protein sequence and biophysical properties (such as structural, functional, and spatial information, amino acid conservation, physicochemical variation, residue mobility, and thermodynamic stability) performed at Invitae indicates that this missense variant is not expected to disrupt MTOR protein function with a negative predictive value of 95%. In summary, the available evidence is currently insufficient to determine the role of this variant in disease. Therefore, it has been classified as a Variant of Uncertain Significance.